The following is an entry in ClinVar:

ClinVar aggregate classification (germline): Uncertain significance (1 of 4 stars; one submission).

Conditions:
Cohen syndrome (COH1). Also called: PEPPER SYNDROME; Cutis verticis gyrata, retinitis pigmentosa, and sensorineural deafness. Identifiers: Orphanet 193, MedGen C0265223, MONDO:0008999, OMIM 216550.

gnomAD v4.1: 3 of 1,613,626 alleles (0.00019%); highest among the groups gnomAD compares: African/African-American, 0.004%; no homozygotes.

Submission:

Labcorp Genetics (formerly Invitae), Labcorp
Classification: Uncertain significance for Cohen syndrome. Last evaluated: 2023-10-03. Review status: criteria provided, single submitter. Criteria: Invitae Variant Classification Sherloc (09022015). Collection method: clinical testing. Allele origin: germline.
Comment: This sequence change replaces serine, which is neutral and polar, with tryptophan, which is neutral and slightly polar, at codon 2942 of the VPS13B protein (p.Ser2942Trp). This variant is present in population databases (no rsID available, gnomAD 0.007%). This variant has not been reported in the literature in individuals affected with VPS13B-related conditions. ClinVar contains an entry for this variant (Variation ID: 1352697). Advanced modeling of protein sequence and biophysical properties (such as structural, functional, and spatial information, amino acid conservation, physicochemical variation, residue mobility, and thermodynamic stability) performed at Invitae indicates that this missense variant is not expected to disrupt VPS13B protein function. In summary, the available evidence is currently insufficient to determine the role of this variant in disease. Therefore, it has been classified as a Variant of Uncertain Significance.

NM_152564.5(VPS13B):c.8750C>G (p.Ser2917Trp)

Gene: VPS13B (vacuolar protein sorting 13 homolog B; plus strand). Cytogenetic location: 8q22.2.
Variant type: single nucleotide variant.
Coding change: c.8750C>G on transcript NM_152564.5 (MANE Select); coding-DNA position 8750, C replaced by G.
Protein change: p.Ser2917Trp; replaces serine 2917 with tryptophan.
Molecular consequence: missense variant.
Genome position (GRCh38, 1-based): chr8:99,819,540, C>G. VCF-style: chr8-99819540-C-G. GRCh37 (hg19) VCF-style: chr8-100831768-C-G.
Other names: c.8825C>G, p.Ser2942Trp (NM_017890.5); short protein forms S2942W, S2917W.
Identifiers: ClinVar variation 1352697 (VCV001352697.6), dbSNP rs139732310, ClinGen allele CA371776555.